The following is an entry in ClinVar:

ClinVar aggregate classification (germline): Conflicting classifications of pathogenicity. Review status: criteria provided, conflicting classifications (1 of 4 stars). 4 submissions from 4 submitters: Uncertain significance (1); Likely benign (3). Last evaluated 2026-01-31.

Conditions:
Autosomal recessive limb-girdle muscular dystrophy type 2J (LGMDR10). Also called: Limb-girdle muscular dystrophy, type 2J; MUSCULAR DYSTROPHY, LIMB-GIRDLE, AUTOSOMAL RECESSIVE 10. Identifiers: Orphanet 140922, MedGen C1837342, MONDO:0012127, OMIM 608807.
Dilated cardiomyopathy 1G (CMD1G). Identifiers: Orphanet 154, MedGen C1858763, MONDO:0011400, OMIM 604145.
Hypertrophic cardiomyopathy 9. Also called: Familial hypertrophic cardiomyopathy 9. Identifiers: MedGen C1861065, MONDO:0013412, OMIM 613765.
Tibial muscular dystrophy (TMD). Also called: Tibial muscular dystrophy, tardive; UDD MYOPATHY; Udd Distal Myopathy – Tibial Muscular Dystrophy. Identifiers: Orphanet 609, MedGen C1838244, MONDO:0010870, OMIM 600334.
Myopathy, myofibrillar, 9, with early respiratory failure (MFM9). Also called: Hereditary myopathy with early respiratory failure; MYOPATHY, PROXIMAL, WITH EARLY RESPIRATORY MUSCLE INVOLVEMENT; EDSTROM MYOPATHY; Myopathy, distal, with early respiratory failure, autosomal dominant. Identifiers: Orphanet 178464, Orphanet 34521, MedGen C1863599, MONDO:0011362, OMIM 603689.
Early-onset myopathy with fatal cardiomyopathy (CMYO5). Also called: Salih Myopathy; CONGENITAL MYOPATHY 5 WITH CARDIOMYOPATHY. Identifiers: Orphanet 289377, MedGen C2673677, MONDO:0012714, OMIM 611705. Disease mechanism: loss of function.

Allele frequency attached by ClinVar (database versions not stated): gnomAD 0.00005; ExAC 0.00009; gnomAD exomes 0.00010; 1000 Genomes Project 30x 0.00016; 1000 Genomes Project 0.00020.
gnomAD v4.1: 45 of 1,538,130 alleles (0.0029%); highest among the groups gnomAD compares: East Asian, 0.11%; no homozygotes.

Submissions (4):

Labcorp Genetics (formerly Invitae), Labcorp
Classification: Likely benign for Dilated cardiomyopathy 1G; Autosomal recessive limb-girdle muscular dystrophy type 2J. Last evaluated: 2026-01-31. Review status: criteria provided, single submitter. Criteria: Invitae Variant Classification Sherloc (09022015). Collection method: clinical testing. Allele origin: germline.

Women's Health and Genetics/Laboratory Corporation of America, LabCorp
Classification: Likely benign. Last evaluated: 2025-12-01. Review status: criteria provided, single submitter. Criteria: LabCorp Variant Classification Summary - May 2015. Collection method: clinical testing. Allele origin: germline.
Comment: Variant summary: TTN c.26985A>C (p.Lys8995Asn) results in a non-conservative amino acid change in the encoded protein sequence. Algorithms developed to predict the effect of missense changes on protein structure and function are either unavailable or do not agree on the potential impact of this missense change. The variant allele was found at a frequency of 9.9e-05 in 152086 control chromosomes, predominantly at a frequency of 0.0014 within the East Asian subpopulation in the gnomAD database. The observed variant frequency within East Asian control individuals in the gnomAD database exceeds the estimated maximal expected allele frequency for disease-causing variants in TTN. c.26985A>C has been observed in a child with dilated cardiomyopathy, without strong evidence of causality (example: Dai_2019). This report does not provide unequivocal conclusions about association of the variant with Dilated Cardiomyopathy. To our knowledge, no experimental evidence demonstrating an impact on protein function has been reported. The following publication has been ascertained in the context of this evaluation (PMID: 30993396). ClinVar contains an entry for this variant (Variation ID: 700379). Based on the evidence outlined above, the variant was classified as likely benign.

Fulgent Genetics
Classification: Likely benign for Tibial muscular dystrophy; Myopathy, myofibrillar, 9, with early respiratory failure; Dilated cardiomyopathy 1G; Autosomal recessive limb-girdle muscular dystrophy type 2J; Early-onset myopathy with fatal cardiomyopathy; Hypertrophic cardiomyopathy 9. Last evaluated: 2021-09-08. Review status: criteria provided, single submitter. Criteria: ACMG Guidelines, 2015. Collection method: clinical testing. Allele origin: unknown.

Revvity Omics, Revvity
Classification: Uncertain significance. Last evaluated: 2020-11-17. Review status: criteria provided, single submitter. Criteria: ACMG Guidelines, 2015. Collection method: clinical testing. Allele origin: germline.

Literature cited by the submitters: PubMed 30993396 (cited by Women's Health and Genetics/Laboratory Corporation of America, LabCorp).

NM_001267550.2(TTN):c.30717A>C (p.Lys10239Asn)

Gene: TTN (titin; minus strand). Cytogenetic location: 2q31.2.
Variant type: single nucleotide variant.
Coding change: c.30717A>C on transcript NM_001267550.2 (MANE Select); coding-DNA position 30717, A replaced by C.
Protein change: p.Lys10239Asn; replaces lysine 10239 with asparagine.
Molecular consequence: missense variant. On other transcripts: intron variant (3).
Genome position (GRCh38, 1-based): chr2:178,698,880, T>G on the plus strand (A>C on the coding strand, the complement: TTN is on the minus strand). VCF-style: chr2-178698880-T-G. GRCh37 (hg19) VCF-style: chr2-179563607-T-G.
Other names: c.29766A>C, p.Lys9922Asn (NM_001256850.1); c.26985A>C, p.Lys8995Asn (NM_133378.4); c.13282+39202A>C (NM_003319.4); c.13858+39202A>C (NM_133437.4); c.13657+39202A>C (NM_133432.3); short protein forms K10239N, K9922N, K8995N.
Identifiers: ClinVar variation 700379 (VCV000700379.15), dbSNP rs553520141, ClinGen allele CA1999047.
Genomic context (GRCh38, chr2:178,698,880, plus strand): 5'-TGCTTTTTGATTAATTATAATACCTTCACGTGGTGTCATCTCTTTGGGCTTTGCAACAAC[T>G]TTTTTGGCATCTTTCTTCACAGCCTTTTTGGTAACTAAAAAAAAAAAAAAAGAAAAAAAA-3'
Protein context (NP_001254479.2, residues 10229-10249): TKKAVKKDAK[Lys10239Asn]VVAKPKEMTP